The following is an entry in ClinVar:

NM_001561.6(TNFRSF9):c.433T>G (p.Ser145Ala)

Gene: TNFRSF9 (TNF receptor superfamily member 9; minus strand). Cytogenetic location: 1p36.23.
Variant type: single nucleotide variant.
Coding change: c.433T>G on transcript NM_001561.6 (MANE Select); coding-DNA position 433, T replaced by G.
Protein change: p.Ser145Ala; replaces serine 145 with alanine.
Molecular consequence: missense variant.
Genome position (GRCh38, 1-based): chr1:7,935,124, A>C on the plus strand (T>G on the coding strand, the complement: TNFRSF9 is on the minus strand). VCF-style: chr1-7935124-A-C. GRCh37 (hg19) VCF-style: chr1-7995184-A-C.
Other names: short protein forms S145A.
Identifiers: ClinVar variation 1474468 (VCV001474468.8), dbSNP rs1220227331, ClinGen allele CA338158624.

ClinVar aggregate classification (germline): Uncertain significance (1 of 4 stars; one submission).

Submission:

Labcorp Genetics (formerly Invitae), Labcorp
Classification: Uncertain significance. Last evaluated: 2021-07-11. Review status: criteria provided, single submitter. Criteria: Invitae Variant Classification Sherloc (09022015). Collection method: clinical testing. Allele origin: germline.
Comment: This variant is not present in population databases (ExAC no frequency). This variant has not been reported in the literature in individuals affected with TNFRSF9-related conditions. Algorithms developed to predict the effect of missense changes on protein structure and function output the following: SIFT: "Tolerated"; PolyPhen-2: "Benign"; Align-GVGD: "Class C0". The alanine amino acid residue is found in multiple mammalian species, which suggests that this missense change does not adversely affect protein function. In summary, the available evidence is currently insufficient to determine the role of this variant in disease. Therefore, it has been classified as a Variant of Uncertain Significance. This sequence change replaces serine with alanine at codon 145 of the TNFRSF9 protein (p.Ser145Ala). The serine residue is weakly conserved and there is a moderate physicochemical difference between serine and alanine.